The following is an entry in ClinVar:

ClinVar aggregate classification (germline): Uncertain significance. Review status: criteria provided, multiple submitters, no conflicts (2 of 4 stars). 2 submissions from 2 submitters: Uncertain significance (2). Last evaluated 2025-08-08.

Conditions:
PDZD7-related disorder. Also called: PDZD7-related disorders; PDZD7-related condition.

Allele frequency attached by ClinVar (database versions not stated): gnomAD 0.00002; gnomAD exomes 0.00002 and 0.00007; TOPMed 0.00004.
gnomAD v4.1: 25 of 1,535,786 alleles (0.0016%); highest among the groups gnomAD compares: East Asian, 0.024%; no homozygotes.

Submissions (2):

PreventionGenetics, part of Exact Sciences
Classification: Uncertain significance for PDZD7-related condition. Last evaluated: 2025-08-08. Review status: criteria provided, single submitter. Criteria: ACMG Guidelines, 2015. Collection method: clinical testing. Allele origin: germline.
Comment: The PDZD7 c.2851G>A variant is predicted to result in the amino acid substitution p.Gly951Arg. To our knowledge, this variant has not been reported in the literature. This variant is reported in 0.050% of alleles in individuals of East Asian descent in gnomAD. At this time, the clinical significance of this variant is uncertain due to the absence of conclusive functional and genetic evidence.

Labcorp Genetics (formerly Invitae), Labcorp
Classification: Uncertain significance. Last evaluated: 2024-11-05. Review status: criteria provided, single submitter. Criteria: Invitae Variant Classification Sherloc (09022015). Collection method: clinical testing. Allele origin: germline.
Comment: This sequence change replaces glycine, which is neutral and non-polar, with arginine, which is basic and polar, at codon 951 of the PDZD7 protein (p.Gly951Arg). This variant is present in population databases (no rsID available, gnomAD 0.05%). This variant has not been reported in the literature in individuals affected with PDZD7-related conditions. ClinVar contains an entry for this variant (Variation ID: 939298). An algorithm developed to predict the effect of missense changes on protein structure and function outputs the following: PolyPhen-2: "Not Available". The arginine amino acid residue is found in multiple mammalian species, which suggests that this missense change does not adversely affect protein function. In summary, the available evidence is currently insufficient to determine the role of this variant in disease. Therefore, it has been classified as a Variant of Uncertain Significance.

NM_001195263.2(PDZD7):c.2851G>A (p.Gly951Arg)

Gene: PDZD7 (PDZ domain containing 7; minus strand). Cytogenetic location: 10q24.31.
Variant type: single nucleotide variant.
Coding change: c.2851G>A on transcript NM_001195263.2 (MANE Select); coding-DNA position 2851, G replaced by A.
Protein change: p.Gly951Arg; replaces glycine 951 with arginine.
Molecular consequence: missense variant.
Genome position (GRCh38, 1-based): chr10:101,008,718, C>T on the plus strand (G>A on the coding strand, the complement: PDZD7 is on the minus strand). VCF-style: chr10-101008718-C-T. GRCh37 (hg19) VCF-style: chr10-102768475-C-T.
Other names: short protein forms G951R.
Identifiers: ClinVar variation 939298 (VCV000939298.9), dbSNP rs1013643993, ClinGen allele CA212977320.